The following is an entry in ClinVar:

ClinVar aggregate classification (germline): Uncertain significance (1 of 4 stars; one submission).

Conditions:
Perlman syndrome (PRLMNS). Identifiers: Orphanet 2849, MedGen C0796113, MONDO:0009965, OMIM 267000.

Allele frequency attached by ClinVar (database versions not stated): gnomAD exomes below 0.00001.
gnomAD v4.1: 1 of 1,614,186 alleles (0.000062%); highest among the groups gnomAD compares: Non-Finnish European, 0.000085%; no homozygotes.

Submission:

Labcorp Genetics (formerly Invitae), Labcorp
Classification: Uncertain significance for Perlman syndrome. Last evaluated: 2025-05-05. Review status: criteria provided, single submitter. Criteria: Invitae Variant Classification Sherloc (09022015). Collection method: clinical testing. Allele origin: germline.
Comment: This sequence change replaces asparagine, which is neutral and polar, with aspartic acid, which is acidic and polar, at codon 531 of the DIS3L2 protein (p.Asn531Asp). This variant is not present in population databases (gnomAD no frequency). This variant has not been reported in the literature in individuals affected with DIS3L2-related conditions. ClinVar contains an entry for this variant (Variation ID: 2813414). Invitae Evidence Modeling of protein sequence and biophysical properties (such as structural, functional, and spatial information, amino acid conservation, physicochemical variation, residue mobility, and thermodynamic stability) indicates that this missense variant is not expected to disrupt DIS3L2 protein function with a negative predictive value of 80%. In summary, the available evidence is currently insufficient to determine the role of this variant in disease. Therefore, it has been classified as a Variant of Uncertain Significance.

NM_152383.5(DIS3L2):c.1591A>G (p.Asn531Asp)

Gene: DIS3L2 (DIS3 like 3'-5' exoribonuclease 2; plus strand). Cytogenetic location: 2q37.1.
Variant type: single nucleotide variant.
Coding change: c.1591A>G on transcript NM_152383.5 (MANE Select); coding-DNA position 1591, A replaced by G.
Protein change: p.Asn531Asp; replaces asparagine 531 with aspartic acid.
Molecular consequence: missense variant. On other transcripts: non-coding transcript variant (2), intron variant (1).
Genome position (GRCh38, 1-based): chr2:232,263,372, A>G. VCF-style: chr2-232263372-A-G. GRCh37 (hg19) VCF-style: chr2-233128082-A-G.
Other names: c.1581+10A>G (NM_001257281.2); short protein forms N531D.
Identifiers: ClinVar variation 2813414 (VCV002813414.3), dbSNP rs1200400779, ClinGen allele CA350975593.